The following is an entry in ClinVar:

NM_004247.4(EFTUD2):c.1413+204_1608-909del

Gene: EFTUD2 (elongation factor Tu GTP binding domain containing 2; minus strand). Cytogenetic location: 17q21.31.
Variant type: Deletion.
Coding change: c.1413+204_1608-909del on transcript NM_004247.4 (MANE Select); 204 bases into the intron after coding-DNA position 1413 through 909 bases into the intron before coding-DNA position 1608, 2,000 bases deleted.
Molecular consequence: splice acceptor variant, splice donor variant.
Genome position (GRCh38, 1-based): chr17:44,861,452-44,863,451, 2,000 bases deleted. GRCh37 (hg19): chr17:42,938,820-42,940,819.
Other names: c.1308+204_1503-909del (NM_001142605.2); c.1383+204_1578-909del (NM_001258354.2); c.1413+204_1608-909del (NM_001258353.2).
Identifiers: ClinVar variation 4833012 (VCV004833012.1).

ClinVar aggregate classification (germline): Pathogenic (1 of 4 stars; one submission).

Conditions:
Inborn genetic diseases. Identifiers: MedGen C0950123, MeSH D030342.

Submission:

Ambry Genetics
Classification: Pathogenic for Inborn genetic diseases. Last evaluated: 2025-12-29. Review status: criteria provided, single submitter. Criteria: Ambry Variant Classification Scheme 2023. Collection method: clinical testing. Allele origin: germline.
Comment: The c.1413+204_1608-909del gross deletion spans exon 16 (coding exon 15) of the EDTUD2 gene. This variant is expected to result in loss of function due to an abnormal transcript, a translational frameshift leading to premature truncation, or nonsense-mediated mRNA decay. This variant was not reported in population-based cohorts in the Genome Aggregation Database (gnomAD). Based on the available evidence, this alteration is classified as pathogenic.